The following is an entry in ClinVar:

NM_025132.4(WDR19):c.3691A>G (p.Lys1231Glu)

Gene: WDR19 (WD repeat domain 19; plus strand). Cytogenetic location: 4p14.
Variant type: single nucleotide variant.
Coding change: c.3691A>G on transcript NM_025132.4 (MANE Select); coding-DNA position 3691, A replaced by G.
Protein change: p.Lys1231Glu; replaces lysine 1231 with glutamic acid.
Molecular consequence: missense variant.
Genome position (GRCh38, 1-based): chr4:39,274,933, A>G. VCF-style: chr4-39274933-A-G. GRCh37 (hg19) VCF-style: chr4-39276553-A-G.
Other names: c.3211A>G, p.Lys1071Glu (NM_001317924.2); short protein forms K1071E, K1231E.
Identifiers: ClinVar variation 2130129 (VCV002130129.4), dbSNP rs2475409273, ClinGen allele CA356650630.

ClinVar aggregate classification (germline): Uncertain significance (1 of 4 stars; one submission).

Conditions:
Senior-Loken syndrome 8 (SLSN8). Identifiers: Orphanet 3156, MedGen C4225376, MONDO:0014579, OMIM 616307.
Asphyxiating thoracic dystrophy 5 (SRTD5). Also called: SHORT-RIB THORACIC DYSPLASIA 5 WITH OR WITHOUT POLYDACTYLY; SHORT-RIB THORACIC DYSPLASIA 5 WITHOUT POLYDACTYLY. Identifiers: Orphanet 474, MedGen C3280598, MONDO:0013717, OMIM 614376.

Submission:

Labcorp Genetics (formerly Invitae), Labcorp
Classification: Uncertain significance for Senior-Loken syndrome 8; Asphyxiating thoracic dystrophy 5. Last evaluated: 2024-10-21. Review status: criteria provided, single submitter. Criteria: Invitae Variant Classification Sherloc (09022015). Collection method: clinical testing. Allele origin: germline.
Comment: This sequence change replaces lysine, which is basic and polar, with glutamic acid, which is acidic and polar, at codon 1231 of the WDR19 protein (p.Lys1231Glu). This variant is not present in population databases (gnomAD no frequency). This variant has not been reported in the literature in individuals affected with WDR19-related conditions. ClinVar contains an entry for this variant (Variation ID: 2130129). Invitae Evidence Modeling of protein sequence and biophysical properties (such as structural, functional, and spatial information, amino acid conservation, physicochemical variation, residue mobility, and thermodynamic stability) has been performed for this missense variant. However, the output from this modeling did not meet the statistical confidence thresholds required to predict the impact of this variant on WDR19 protein function. In summary, the available evidence is currently insufficient to determine the role of this variant in disease. Therefore, it has been classified as a Variant of Uncertain Significance.